The following is an entry in ClinVar:

NM_000130.5(F5):c.487G>C (p.Asp163His)

Gene: F5 (coagulation factor V; minus strand). Cytogenetic location: 1q24.2.
Variant type: single nucleotide variant.
Coding change: c.487G>C on transcript NM_000130.5 (MANE Select); coding-DNA position 487, G replaced by C.
Protein change: p.Asp163His; replaces aspartic acid 163 with histidine.
Molecular consequence: missense variant.
Genome position (GRCh38, 1-based): chr1:169,560,653, C>G on the plus strand (G>C on the coding strand, the complement: F5 is on the minus strand). VCF-style: chr1-169560653-C-G. GRCh37 (hg19) VCF-style: chr1-169529891-C-G.
Other names: short protein forms D163H.
Identifiers: ClinVar variation 3230349 (VCV003230349.1), dbSNP rs1481597733, ClinGen allele CA343138632.

ClinVar aggregate classification (germline): Uncertain significance (1 of 4 stars; one submission).

Conditions:
Inborn genetic diseases. Identifiers: MedGen C0950123, MeSH D030342.

gnomAD v4.1: 7 of 1,613,786 alleles (0.00043%); highest among the groups gnomAD compares: Non-Finnish European, 0.00042%; no homozygotes.

Submission:

Ambry Genetics
Classification: Uncertain significance for Inborn genetic diseases. Last evaluated: 2023-09-15. Review status: criteria provided, single submitter. Criteria: Ambry Variant Classification Scheme 2023. Collection method: clinical testing. Allele origin: germline.
Comment: The p.D163H variant (also known as c.487G>C), located in coding exon 4 of the F5 gene, results from a G to C substitution at nucleotide position 487. The aspartic acid at codon 163 is replaced by histidine, an amino acid with similar properties. This amino acid position is conserved. In addition, the in silico prediction for this alteration is inconclusive. Since supporting evidence is limited at this time, the clinical significance of this alteration remains unclear.